The following is an entry in ClinVar:

ClinVar aggregate classification (germline): Uncertain significance. Review status: criteria provided, multiple submitters, no conflicts (2 of 4 stars). 2 submissions from 2 submitters: Uncertain significance (2). Last evaluated 2026-03-10.

Conditions:
TTN-related disorder. Also called: TTN-related disorders; TTN-related condition; TTN-related disease.
Autosomal recessive limb-girdle muscular dystrophy type 2J (LGMDR10). Also called: Limb-girdle muscular dystrophy, type 2J; MUSCULAR DYSTROPHY, LIMB-GIRDLE, AUTOSOMAL RECESSIVE 10. Identifiers: Orphanet 140922, MedGen C1837342, MONDO:0012127, OMIM 608807.
Dilated cardiomyopathy 1G (CMD1G). Identifiers: Orphanet 154, MedGen C1858763, MONDO:0011400, OMIM 604145.

Allele frequency attached by ClinVar (database versions not stated): gnomAD exomes 0.00001 and 0.00002; ExAC 0.00002.
gnomAD v4.1: 3 of 1,544,350 alleles (0.00019%); highest among the groups gnomAD compares: Non-Finnish European, 0.00026%; no homozygotes.

Submissions (2):

PreventionGenetics, part of Exact Sciences
Classification: Uncertain significance for TTN-related condition. Last evaluated: 2026-03-10. Review status: criteria provided, single submitter. Criteria: ACMG Guidelines, 2015. Collection method: clinical testing. Allele origin: germline.
Comment: The TTN c.99861A>G variant is predicted to result in the amino acid substitution p.Ile33287Met. To our knowledge, this variant has not been reported in the literature. This variant is reported in 0.0032% of alleles in individuals of European (Non-Finnish) descent in gnomAD. At this time, the clinical significance of this variant is uncertain due to the absence of conclusive functional and genetic evidence.

Labcorp Genetics (formerly Invitae), Labcorp
Classification: Uncertain significance for Dilated cardiomyopathy 1G; Autosomal recessive limb-girdle muscular dystrophy type 2J. Last evaluated: 2016-07-29. Review status: criteria provided, single submitter. Criteria: Invitae Variant Classification Sherloc (09022015). Collection method: clinical testing. Allele origin: germline.

NM_001267550.2(TTN):c.99861A>G (p.Ile33287Met)

Genes: TTN (titin; minus strand), TTN-AS1 (TTN antisense RNA 1; plus strand), LOC126806420 (BRD4-independent group 4 enhancer GRCh37_chr2:179401104-179402303; plus strand). Cytogenetic location: 2q31.2.
Variant type: single nucleotide variant.
Coding change: c.99861A>G on transcript NM_001267550.2 (MANE Select); coding-DNA position 99861, A replaced by G.
Protein change: p.Ile33287Met; replaces isoleucine 33287 with methionine.
Molecular consequence: missense variant.
Genome position (GRCh38, 1-based): chr2:178,537,346, T>C on the plus strand (A>G on the coding strand, the complement: TTN is on the minus strand). VCF-style: chr2-178537346-T-C. GRCh37 (hg19) VCF-style: chr2-179402073-T-C.
Other names: c.94938A>G, p.Ile31646Met (NM_001256850.1); c.72666A>G, p.Ile24222Met (NM_003319.4); c.92157A>G, p.Ile30719Met (NM_133378.4); c.73041A>G, p.Ile24347Met (NM_133432.3); c.73242A>G, p.Ile24414Met (NM_133437.4); short protein forms I33287M, I24347M, I24222M, I24414M, I31646M, I30719M.
Identifiers: ClinVar variation 404654 (VCV000404654.4), dbSNP rs758948672, ClinGen allele CA1986131.
Genomic context (GRCh38, chr2:178,537,346, plus strand): 5'-TTTTGAGATTTTTTTTTCTTTAAAAATAAAAAGCACTGAAAATAAAAATAAAATACCTTG[T>C]ATTTCCACATCAAGGATGGCATCAACTGTTCCAAAAACATTGCTGAGCTGGACTTTGTAT-3'
Protein context (NP_001254479.2, residues 33277-33297): GTVDAILDVE[Ile33287Met]QDKPDKPTGP